The following is an entry in ClinVar:

ClinVar aggregate classification (germline): Benign (1 of 4 stars; one submission).

Conditions:
Nemaline myopathy 7 (NEM7). Also called: Nemaline myopathy 7, autosomal recessive. Identifiers: Orphanet 171436, MedGen C1853154, MONDO:0012538, OMIM 610687.

Allele frequency attached by ClinVar (database versions not stated): ExAC 0.00214; gnomAD exomes 0.00391 and 0.00643; gnomAD 0.02834 and 0.03033; TOPMed 0.03267; 1000 Genomes Project 0.03395; 1000 Genomes Project 30x 0.03763.
gnomAD v4.1: 5,494 of 454,090 alleles (1.2%); highest among the groups gnomAD compares: African/African-American, 9.7%; 270 homozygotes.

Submission:

Illumina Laboratory Services, Illumina
Classification: Benign for Nemaline myopathy 7. Last evaluated: 2018-01-12. Review status: criteria provided, single submitter. Criteria: ICSL Variant Classification Criteria 13 December 2019. Collection method: clinical testing. Allele origin: germline.
Comment: This variant was observed in the ICSL laboratory as part of a predisposition screen in an ostensibly healthy population. It had not been previously curated by ICSL or reported in the Human Gene Mutation Database (HGMD: prior to June 1st, 2018), and was therefore a candidate for classification through an automated scoring system. Utilizing variant allele frequency, disease prevalence and penetrance estimates, and inheritance mode, an automated score was calculated to assess if this variant is too frequent to cause the disease. Based on the score and internal cut-off values, a variant classified as benign is not then subjected to further curation. The score for this variant resulted in a classification of benign for this disease.

NM_138638.5(CFL2):c.*1905A>G

Gene: CFL2 (cofilin 2; minus strand). Cytogenetic location: 14q13.1.
Variant type: single nucleotide variant.
Coding change: c.*1905A>G on transcript NM_138638.5 (MANE Select); 1905 bases downstream of the stop codon, A replaced by G.
Molecular consequence: 3 prime UTR variant. On other transcripts: non-coding transcript variant (2).
Genome position (GRCh38, 1-based): chr14:34,710,960, T>C on the plus strand (A>G on the coding strand, the complement: CFL2 is on the minus strand). VCF-style: chr14-34710960-T-C. GRCh37 (hg19) VCF-style: chr14-35180166-T-C.
Other names: c.*1905A>G (NM_001243645.2, NM_021914.8).
Identifiers: ClinVar variation 313080 (VCV000313080.5), dbSNP rs41528946, ClinGen allele CA7152149.